The following is an entry in ClinVar:

NM_000836.4(GRIN2D):c.1974G>A (p.Met658Ile)

Genes: GRIN2D (glutamate ionotropic receptor NMDA type subunit 2D; plus strand), LOC130064857 (ATAC-STARR-seq lymphoblastoid active region 14894; plus strand). Cytogenetic location: 19q13.33.
Variant type: single nucleotide variant.
Coding change: c.1974G>A on transcript NM_000836.4 (MANE Select); coding-DNA position 1974, G replaced by A.
Protein change: p.Met658Ile; replaces methionine 658 with isoleucine.
Molecular consequence: missense variant.
Genome position (GRCh38, 1-based): chr19:48,419,697, G>A. VCF-style: chr19-48419697-G-A. GRCh37 (hg19) VCF-style: chr19-48922954-G-A.
Other names: short protein forms M658I.
Identifiers: ClinVar variation 3692598 (VCV003692598.2).

ClinVar aggregate classification (germline): Uncertain significance (1 of 4 stars; one submission).

gnomAD v4.1: 1 of 1,613,406 alleles (0.000062%); highest among the groups gnomAD compares: Non-Finnish European, 0.000085%; no homozygotes.

Submission:

Labcorp Genetics (formerly Invitae), Labcorp
Classification: Uncertain significance. Last evaluated: 2024-06-04. Review status: criteria provided, single submitter. Criteria: Invitae Variant Classification Sherloc (09022015). Collection method: clinical testing. Allele origin: germline.
Comment: This sequence change replaces methionine, which is neutral and non-polar, with isoleucine, which is neutral and non-polar, at codon 658 of the GRIN2D protein (p.Met658Ile). This variant is not present in population databases (gnomAD no frequency). This variant has not been reported in the literature in individuals affected with GRIN2D-related conditions. Advanced modeling of protein sequence and biophysical properties (such as structural, functional, and spatial information, amino acid conservation, physicochemical variation, residue mobility, and thermodynamic stability) performed at Invitae indicates that this missense variant is not expected to disrupt GRIN2D protein function with a negative predictive value of 80%. In summary, the available evidence is currently insufficient to determine the role of this variant in disease. Therefore, it has been classified as a Variant of Uncertain Significance.